The following is an entry in ClinVar:

ClinVar aggregate classification (germline): Uncertain significance. Review status: criteria provided, multiple submitters, no conflicts (2 of 4 stars). 2 submissions from 2 submitters: Uncertain significance (2). Last evaluated 2022-09-07.

Conditions:
Inborn genetic diseases. Identifiers: MedGen C0950123, MeSH D030342.

Allele frequency attached by ClinVar (database versions not stated): gnomAD exomes below 0.00001; gnomAD 0.00006; TOPMed 0.00008; ExAC 0.00015; 1000 Genomes Project 0.00020.
gnomAD v4.1: 16 of 1,442,650 alleles (0.0011%); highest among the groups gnomAD compares: African/African-American, 0.018%; no homozygotes.

Submissions (2):

Labcorp Genetics (formerly Invitae), Labcorp
Classification: Uncertain significance. Last evaluated: 2022-09-07. Review status: criteria provided, single submitter. Criteria: Invitae Variant Classification Sherloc (09022015). Collection method: clinical testing. Allele origin: germline.
Comment: This sequence change replaces glutamine, which is neutral and polar, with glutamic acid, which is acidic and polar, at codon 41 of the PDE2A protein (p.Gln41Glu). This variant is present in population databases (rs531903181, gnomAD 0.04%). This variant has not been reported in the literature in individuals affected with PDE2A-related conditions. Algorithms developed to predict the effect of missense changes on protein structure and function (SIFT, PolyPhen-2, Align-GVGD) all suggest that this variant is likely to be tolerated. In summary, the available evidence is currently insufficient to determine the role of this variant in disease. Therefore, it has been classified as a Variant of Uncertain Significance.

Ambry Genetics
Classification: Uncertain significance for Inborn genetic diseases. Last evaluated: 2021-08-17. Review status: criteria provided, single submitter. Criteria: Ambry Variant Classification Scheme 2023. Collection method: clinical testing. Allele origin: germline.

NM_002599.5(PDE2A):c.121C>G (p.Gln41Glu)

Gene: PDE2A (phosphodiesterase 2A; minus strand). Cytogenetic location: 11q13.4.
Variant type: single nucleotide variant.
Coding change: c.121C>G on transcript NM_002599.5 (MANE Select); coding-DNA position 121, C replaced by G.
Protein change: p.Gln41Glu; replaces glutamine 41 with glutamic acid.
Molecular consequence: missense variant. On other transcripts: 5 prime UTR variant (1).
Genome position (GRCh38, 1-based): chr11:72,642,277, G>C on the plus strand (C>G on the coding strand, the complement: PDE2A is on the minus strand). VCF-style: chr11-72642277-G-C. GRCh37 (hg19) VCF-style: chr11-72353321-G-C.
Other names: c.100C>G, p.Gln34Glu (NM_001143839.4); c.94C>G, p.Gln32Glu (NM_001146209.3); c.-5C>G (NM_001243784.2); short protein forms Q41E, Q32E, Q34E.
Identifiers: ClinVar variation 1909011 (VCV001909011.3), dbSNP rs531903181, ClinGen allele CA6172752.